The following is an entry in ClinVar:

NM_015702.3(MMADHC):c.73G>T (p.Val25Phe)

Gene: MMADHC (metabolism of cobalamin associated D; minus strand). Cytogenetic location: 2q23.2.
Variant type: single nucleotide variant.
Coding change: c.73G>T on transcript NM_015702.3 (MANE Select); coding-DNA position 73, G replaced by T.
Protein change: p.Val25Phe; replaces valine 25 with phenylalanine.
Molecular consequence: missense variant.
Genome position (GRCh38, 1-based): chr2:149,582,208, C>A on the plus strand (G>T on the coding strand, the complement: MMADHC is on the minus strand). VCF-style: chr2-149582208-C-A. GRCh37 (hg19) VCF-style: chr2-150438722-C-A.
Other names: short protein forms V25F.
Identifiers: ClinVar variation 203838 (VCV000203838.10), dbSNP rs549522925, ClinGen allele CA312747.

ClinVar aggregate classification (germline): Uncertain significance. Review status: criteria provided, multiple submitters, no conflicts (2 of 4 stars). 4 submissions from 3 submitters: Uncertain significance (3). 1 of the submissions does not count toward it. Last evaluated 2026-01-14.

Conditions:
Disorders of Intracellular Cobalamin Metabolism. Identifiers: MedGen CN043592.
Methylmalonic aciduria and homocystinuria type cblD (MAHCD). Also called: Methylmalonic aciduria with homocystinuria cblD type; METHYLMALONIC ACIDEMIA, cblH TYPE. Identifiers: Orphanet 622, Orphanet 79283, MedGen C1848552, MONDO:0010185, OMIM 277410.

Allele frequency attached by ClinVar (database versions not stated): ExAC 0.00007; TOPMed 0.00011.
gnomAD v4.1: 148 of 1,613,898 alleles (0.0092%); highest among the groups gnomAD compares: Non-Finnish European, 0.012%; no homozygotes.

Submissions (4):

Labcorp Genetics (formerly Invitae), Labcorp
Classification: Uncertain significance for Methylmalonic aciduria and homocystinuria type cblD. Last evaluated: 2026-01-14. Review status: criteria provided, single submitter. Criteria: Invitae Variant Classification Sherloc (09022015). Collection method: clinical testing. Allele origin: germline.
Comment: This sequence change replaces valine, which is neutral and non-polar, with phenylalanine, which is neutral and non-polar, at codon 25 of the MMADHC protein (p.Val25Phe). This variant is present in population databases (rs549522925, gnomAD 0.01%). This variant has not been reported in the literature in individuals affected with MMADHC-related conditions. ClinVar contains an entry for this variant (Variation ID: 203838). Invitae Evidence Modeling of protein sequence and biophysical properties (such as structural, functional, and spatial information, amino acid conservation, physicochemical variation, residue mobility, and thermodynamic stability) indicates that this missense variant is not expected to disrupt MMADHC protein function with a negative predictive value of 80%. In summary, the available evidence is currently insufficient to determine the role of this variant in disease. Therefore, it has been classified as a Variant of Uncertain Significance.

Illumina Laboratory Services, Illumina
Classification: Uncertain significance for Methylmalonic aciduria and homocystinuria type cblD. Last evaluated: 2018-01-12. Review status: criteria provided, single submitter. Criteria: ICSL Variant Classification Criteria 13 December 2019. Collection method: clinical testing. Allele origin: germline.

Illumina Laboratory Services, Illumina
Classification: Uncertain significance for Disorders of Intracellular Cobalamin Metabolism. Last evaluated: 2018-01-12. Review status: criteria provided, single submitter. Criteria: ICSL Variant Classification Criteria 13 December 2019. Collection method: clinical testing. Allele origin: germline.

Natera, Inc.
Classification: Uncertain significance for Methylmalonic aciduria with homocystinuria cblD type. Last evaluated: 2020-09-16. Review status: no assertion criteria provided. Collection method: clinical testing. Allele origin: germline. Not counted in ClinVar's aggregate classification.